The following is an entry in ClinVar:

ClinVar aggregate classification (germline): Uncertain significance (1 of 4 stars; one submission).

gnomAD v4.1: 1 of 1,614,030 alleles (0.000062%); highest among the groups gnomAD compares: South Asian, 0.0011%; no homozygotes.

Submission:

Labcorp Genetics (formerly Invitae), Labcorp
Classification: Uncertain significance. Last evaluated: 2022-04-30. Review status: criteria provided, single submitter. Criteria: Invitae Variant Classification Sherloc (09022015). Collection method: clinical testing. Allele origin: germline.
Comment: In summary, the available evidence is currently insufficient to determine the role of this variant in disease. Therefore, it has been classified as a Variant of Uncertain Significance. Algorithms developed to predict the effect of missense changes on protein structure and function are either unavailable or do not agree on the potential impact of this missense change (SIFT: "Tolerated"; PolyPhen-2: "Not Available"; Align-GVGD: "Class C0"). This missense change has been observed in individual(s) with clinical features of CLTC-related conditions (Invitae). This variant is not present in population databases (gnomAD no frequency). This sequence change replaces threonine, which is neutral and polar, with serine, which is neutral and polar, at codon 1551 of the CLTC protein (p.Thr1551Ser).

NM_004859.4(CLTC):c.4640C>G (p.Thr1547Ser)

Gene: CLTC (clathrin heavy chain; plus strand). Cytogenetic location: 17q23.1.
Variant type: single nucleotide variant.
Coding change: c.4640C>G on transcript NM_004859.4 (MANE Select); coding-DNA position 4640, C replaced by G.
Protein change: p.Thr1547Ser; replaces threonine 1547 with serine.
Molecular consequence: missense variant.
Genome position (GRCh38, 1-based): chr17:59,685,621, C>G. VCF-style: chr17-59685621-C-G. GRCh37 (hg19) VCF-style: chr17-57762982-C-G.
Other names: c.4652C>G, p.Thr1551Ser (NM_001288653.2); short protein forms T1547S, T1551S.
Identifiers: ClinVar variation 2132364 (VCV002132364.4), dbSNP rs1418847588, ClinGen allele CA400422529.